The following is an entry in ClinVar:

ClinVar aggregate classification (germline): Likely benign (1 of 4 stars; one submission).

gnomAD v4.1: 3,767 of 1,610,404 alleles (0.23%); highest among the groups gnomAD compares: Middle Eastern, 0.38%; 8 homozygotes.

Submission:

CeGaT Center for Human Genetics Tuebingen
Classification: Likely benign. Last evaluated: 2026-09-01. Review status: criteria provided, single submitter. Criteria: CeGaT Center For Human Genetics Tuebingen Variant Classification Criteria Version 2. Collection method: clinical testing. Allele origin: germline. Affected: yes. Observed: 1 variant allele.
Comment: PGAP6: BP4, BP7

NM_021259.3(PGAP6):c.2037C>T (p.His679=)

Gene: PGAP6 (post-GPI attachment to proteins 6; minus strand). Cytogenetic location: 16p13.3.
Variant type: single nucleotide variant.
Coding change: c.2037C>T on transcript NM_021259.3 (MANE Select); coding-DNA position 2037, C replaced by T.
Protein change: p.His679=; no amino-acid change (histidine 679 retained).
Molecular consequence: synonymous variant.
Genome position (GRCh38, 1-based): chr16:372,266, G>A on the plus strand (C>T on the coding strand, the complement: PGAP6 is on the minus strand). VCF-style: chr16-372266-G-A. GRCh37 (hg19) VCF-style: chr16-422266-G-A.
Identifiers: ClinVar variation 5040834 (VCV005040834.1).